The following is an entry in ClinVar:

ClinVar aggregate classification (germline): Uncertain significance. Review status: criteria provided, multiple submitters, no conflicts (2 of 4 stars). 2 submissions from 2 submitters: Uncertain significance (2). Last evaluated 2022-08-23.

Conditions:
Lipoic acid synthetase deficiency. Also called: HYPERGLYCINEMIA, LACTIC ACIDOSIS, AND SEIZURES. Identifiers: Orphanet 401859, MedGen C3280887, MONDO:0013762, OMIM 614462.

Allele frequency attached by ClinVar (database versions not stated): TOPMed 0.00002; gnomAD exomes 0.00001.
gnomAD v4.1: 9 of 1,613,628 alleles (0.00056%); highest among the groups gnomAD compares: Admixed American, 0.005%; no homozygotes.

Submissions (2):

Labcorp Genetics (formerly Invitae), Labcorp
Classification: Uncertain significance for Lipoic acid synthetase deficiency. Last evaluated: 2022-08-23. Review status: criteria provided, single submitter. Criteria: Invitae Variant Classification Sherloc (09022015). Collection method: clinical testing. Allele origin: germline.
Comment: This sequence change replaces glutamic acid, which is acidic and polar, with lysine, which is basic and polar, at codon 284 of the LIAS protein (p.Glu284Lys). This variant is present in population databases (rs796052699, gnomAD 0.009%). This variant has not been reported in the literature in individuals affected with LIAS-related conditions. ClinVar contains an entry for this variant (Variation ID: 206039). Algorithms developed to predict the effect of missense changes on protein structure and function (SIFT, PolyPhen-2, Align-GVGD) all suggest that this variant is likely to be disruptive. In summary, the available evidence is currently insufficient to determine the role of this variant in disease. Therefore, it has been classified as a Variant of Uncertain Significance.

GeneDx
Classification: Uncertain significance. Last evaluated: 2014-07-01. Review status: criteria provided, single submitter. Criteria: GeneDx Variant Classification (06012015). Collection method: clinical testing. Allele origin: germline. Affected: yes.
Comment: p.Glu284Lys (GAG>AAG): c.850 G>A in exon 8 of the LIAS gene (NM_006859.2). A variant of unknown significance has been identified in the LIAS gene. The E284K variant has not been published as a mutation, nor has it been reported as a benign polymorphism to our knowledge. It was not observed in approximately 6,500 individuals of European and African American ancestry in the NHLBI Exome Sequencing Project, indicating it is not a common benign variant in these populations. The E284K variant is a non-conservative amino acid substitution, which is likely to impact secondary protein structure as these residues differ in polarity, charge, size and/or other properties. This substitution occurs at a position that is conserved across species. In silico analysis predicts this variant is probably damaging to the protein structure/function. However, missense mutations in nearby residues have not been reported in association with LIAS-related disorders. Therefore, based on the currently available information, it is unclear whether this variant is a pathogenic mutation or a rare benign variant. The variant is found in EPILEPSY panel(s).

NM_006859.4(LIAS):c.850G>A (p.Glu284Lys)

Gene: LIAS (lipoic acid synthetase; plus strand). Cytogenetic location: 4p14.
Variant type: single nucleotide variant.
Coding change: c.850G>A on transcript NM_006859.4 (MANE Select); coding-DNA position 850, G replaced by A.
Protein change: p.Glu284Lys; replaces glutamic acid 284 with lysine.
Molecular consequence: missense variant.
Genome position (GRCh38, 1-based): chr4:39,470,131, G>A. VCF-style: chr4-39470131-G-A. GRCh37 (hg19) VCF-style: chr4-39471751-G-A.
Other names: p.E284K:GAG>AAG; c.721G>A, p.Glu241Lys (NM_001278590.2); c.541G>A, p.Glu181Lys (NM_001363700.2); c.850G>A, p.Glu284Lys (NM_194451.3); short protein forms E284K, E241K, E181K.
Identifiers: ClinVar variation 206039 (VCV000206039.12), dbSNP rs796052699, ClinGen allele CA315739.
Genomic context (GRCh38, chr4:39,470,131, plus strand): 5'-CATGCCAAGAAGGTTCAGCCTGATGTTATTTCTAAAACATCTATAATGTTGGGTTTAGGC[G>A]AGAATGATGAGCAAGTATATGCAACAATGAAAGGTAAAGAAATTGAAAAATGAAAAATCT-3'
Protein context (NP_006850.2, residues 274-294): SKTSIMLGLG[Glu284Lys]NDEQVYATMK